The following is an entry in ClinVar:

NM_006361.6(HOXB13):c.575G>A (p.Gly192Asp)

Gene: HOXB13 (homeobox B13; minus strand). Cytogenetic location: 17q21.32.
Variant type: single nucleotide variant.
Coding change: c.575G>A on transcript NM_006361.6 (MANE Select); coding-DNA position 575, G replaced by A.
Protein change: p.Gly192Asp; replaces glycine 192 with aspartic acid.
Molecular consequence: missense variant.
Genome position (GRCh38, 1-based): chr17:48,728,019, C>T on the plus strand (G>A on the coding strand, the complement: HOXB13 is on the minus strand). VCF-style: chr17-48728019-C-T. GRCh37 (hg19) VCF-style: chr17-46805381-C-T.
Other names: c.575G>A (NM_006361.5); short protein forms G192D.
Identifiers: ClinVar variation 1428770 (VCV001428770.9), dbSNP rs2143070847, ClinGen allele CA400107150.

ClinVar aggregate classification (germline): Uncertain significance. Review status: criteria provided, multiple submitters, no conflicts (2 of 4 stars). 2 submissions from 2 submitters: Uncertain significance (2). Last evaluated 2025-09-30.

Conditions:
Hereditary cancer-predisposing syndrome. Also called: Tumor predisposition; Hereditary neoplastic syndrome; Neoplastic Syndromes, Hereditary; Hereditary Cancer Syndrome. Identifiers: Orphanet 140162, MedGen C0027672, MeSH D009386, MONDO:0015356.

gnomAD v4.1: 1 of 1,614,170 alleles (0.000062%); highest among the groups gnomAD compares: South Asian, 0.0011%; no homozygotes.

Submissions (2):

Ambry Genetics
Classification: Uncertain significance for Hereditary cancer-predisposing syndrome. Last evaluated: 2025-09-30. Review status: criteria provided, single submitter. Criteria: Ambry Variant Classification Scheme 2023. Collection method: clinical testing. Allele origin: germline.
Comment: The p.G192D variant (also known as c.575G>A), located in coding exon 1 of the HOXB13 gene, results from a G to A substitution at nucleotide position 575. The glycine at codon 192 is replaced by aspartic acid, an amino acid with similar properties. This amino acid position is well conserved in available vertebrate species. In addition, the in silico prediction for this alteration is inconclusive. Based on the available evidence, the clinical significance of this variant remains unclear.

Labcorp Genetics (formerly Invitae), Labcorp
Classification: Uncertain significance. Last evaluated: 2025-08-03. Review status: criteria provided, single submitter. Criteria: Invitae Variant Classification Sherloc (09022015). Collection method: clinical testing. Allele origin: germline.
Comment: This sequence change replaces glycine, which is neutral and non-polar, with aspartic acid, which is acidic and polar, at codon 192 of the HOXB13 protein (p.Gly192Asp). This variant is not present in population databases (gnomAD no frequency). This variant has not been reported in the literature in individuals affected with HOXB13-related conditions. ClinVar contains an entry for this variant (Variation ID: 1428770). Invitae Evidence Modeling of protein sequence and biophysical properties (such as structural, functional, and spatial information, amino acid conservation, physicochemical variation, residue mobility, and thermodynamic stability) indicates that this missense variant is not expected to disrupt HOXB13 protein function with a negative predictive value of 80%. In summary, the available evidence is currently insufficient to determine the role of this variant in disease. Therefore, it has been classified as a Variant of Uncertain Significance.